The following is an entry in ClinVar:

ClinVar aggregate classification (germline): Uncertain significance (1 of 4 stars; one submission).

Submission:

Labcorp Genetics (formerly Invitae), Labcorp
Classification: Uncertain significance. Last evaluated: 2025-04-21. Review status: criteria provided, single submitter. Criteria: Invitae Variant Classification Sherloc (09022015). Collection method: clinical testing. Allele origin: germline.
Comment: This sequence change replaces serine, which is neutral and polar, with leucine, which is neutral and non-polar, at codon 1133 of the ERCC6 protein (p.Ser1133Leu). This variant is not present in population databases (gnomAD no frequency). This variant has not been reported in the literature in individuals affected with ERCC6-related conditions. Invitae Evidence Modeling of protein sequence and biophysical properties (such as structural, functional, and spatial information, amino acid conservation, physicochemical variation, residue mobility, and thermodynamic stability) indicates that this missense variant is not expected to disrupt ERCC6 protein function with a negative predictive value of 95%. In summary, the available evidence is currently insufficient to determine the role of this variant in disease. Therefore, it has been classified as a Variant of Uncertain Significance.

NM_000124.4(ERCC6):c.3398C>T (p.Ser1133Leu)

Gene: ERCC6 (ERCC excision repair 6, chromatin remodeling factor; minus strand). Cytogenetic location: 10q11.23.
Variant type: single nucleotide variant.
Coding change: c.3398C>T on transcript NM_000124.4 (MANE Select); coding-DNA position 3398, C replaced by T.
Protein change: p.Ser1133Leu; replaces serine 1133 with leucine.
Molecular consequence: missense variant.
Genome position (GRCh38, 1-based): chr10:49,470,562, G>A on the plus strand (C>T on the coding strand, the complement: ERCC6 is on the minus strand). VCF-style: chr10-49470562-G-A. GRCh37 (hg19) VCF-style: chr10-50678608-G-A.
Other names: c.3398C>T, p.Ser1133Leu (NM_001346440.2); short protein forms S1133L.
Identifiers: ClinVar variation 4772917 (VCV004772917.1).
Genomic context (GRCh38, chr10:49,470,562, plus strand): 5'-AGACCTAACTTTTCATCAATGCTTTCATCACCAGATGGCATAGAAGTTTTGCCTGTTCCT[G>A]AAGAATTTGAACATTCCCCATTTCCACTAATCACTGACAACTCTTCTGGTCCAGATACTG-3'
Protein context (NP_000115.1, residues 1123-1143): ISGNGECSNS[Ser1133Leu]GTGKTSMPSG